The following is an entry in ClinVar:

NM_001164508.2(NEB):c.3532G>A (p.Glu1178Lys)

Gene: NEB (nebulin; minus strand). Cytogenetic location: 2q23.3.
Variant type: single nucleotide variant.
Coding change: c.3532G>A on transcript NM_001164508.2 (MANE Select); coding-DNA position 3532, G replaced by A.
Protein change: p.Glu1178Lys; replaces glutamic acid 1178 with lysine.
Molecular consequence: missense variant.
Genome position (GRCh38, 1-based): chr2:151,677,911, C>T on the plus strand (G>A on the coding strand, the complement: NEB is on the minus strand). VCF-style: chr2-151677911-C-T. GRCh37 (hg19) VCF-style: chr2-152534425-C-T.
Other names: c.3532G>A, p.Glu1178Lys (NM_001164507.2, NM_001271208.2, NM_004543.5); short protein forms E1178K.
Identifiers: ClinVar variation 1502262 (VCV001502262.5), dbSNP rs774703099, ClinGen allele CA1910891.
Genomic context (GRCh38, chr2:151,677,911, plus strand): 5'-TTCTTGAGAAGTAAATGACACTTACATCACTCTGTATCTGCATCATGTTCTTAGACAGCT[C>T]CAGGTCCATGGCGTCAGGCAAGTAGGTGTAATGATGGAGAGAATGCTTATAGTTGACATT-3'
Protein context (NP_001157980.2, residues 1168-1188): YTYLPDAMDL[Glu1178Lys]LSKNMMQIQS

ClinVar aggregate classification (germline): Uncertain significance (1 of 4 stars; one submission).

Conditions:
Nemaline myopathy 2 (NEM2). Also called: Nemaline myopathy 2, autosomal recessive. Identifiers: MedGen C1850569, MONDO:0009725, OMIM 256030.

Allele frequency attached by ClinVar (database versions not stated): TOPMed below 0.00001; gnomAD exomes 0.00001; ExAC 0.00002.

Submission:

Labcorp Genetics (formerly Invitae), Labcorp
Classification: Uncertain significance for Nemaline myopathy 2. Last evaluated: 2021-08-26. Review status: criteria provided, single submitter. Criteria: Invitae Variant Classification Sherloc (09022015). Collection method: clinical testing. Allele origin: germline.
Comment: This sequence change replaces glutamic acid with lysine at codon 1178 of the NEB protein (p.Glu1178Lys). The glutamic acid residue is moderately conserved and there is a small physicochemical difference between glutamic acid and lysine. This variant is present in population databases (rs774703099, ExAC 0.02%). This variant has not been reported in the literature in individuals affected with NEB-related conditions. Algorithms developed to predict the effect of missense changes on protein structure and function are either unavailable or do not agree on the potential impact of this missense change (SIFT: "Deleterious"; PolyPhen-2: "Not Available"; Align-GVGD: "Class C0"). In summary, the available evidence is currently insufficient to determine the role of this variant in disease. Therefore, it has been classified as a Variant of Uncertain Significance.